The following is an entry in ClinVar:

NM_182961.4(SYNE1):c.19386G>C (p.Leu6462Phe)

Gene: SYNE1 (spectrin repeat containing nuclear envelope protein 1; minus strand). Cytogenetic location: 6q25.2.
Variant type: single nucleotide variant.
Coding change: c.19386G>C on transcript NM_182961.4 (MANE Select); coding-DNA position 19386, G replaced by C.
Protein change: p.Leu6462Phe; replaces leucine 6462 with phenylalanine.
Molecular consequence: missense variant.
Genome position (GRCh38, 1-based): chr6:152,254,964, C>G on the plus strand (G>C on the coding strand, the complement: SYNE1 is on the minus strand). VCF-style: chr6-152254964-C-G. GRCh37 (hg19) VCF-style: chr6-152576099-C-G.
Other names: c.19173G>C, p.Leu6391Phe (NM_033071.5); short protein forms L6462F, L6391F.
Identifiers: ClinVar variation 471015 (VCV000471015.7), dbSNP rs1453005046, ClinGen allele CA366136271.
Genomic context (GRCh38, chr6:152,254,964, plus strand): 5'-TCTTTCTTTCATCTGATGACATCGTTGATTCACTACTGAGTCTAGCAAGGATAACCTGCC[C>G]AAAAGACAACCCAAAGTATCTTCAATAACATCTCGATTATCACCATTCTCTGGAAAAGCT-3'
Protein context (NP_892006.3, residues 6452-6472): DVIEDTLGCL[Leu6462Phe]GRLSLLDSVV

ClinVar aggregate classification (germline): Uncertain significance (1 of 4 stars; one submission).

Conditions:
Emery-Dreifuss muscular dystrophy 4, autosomal dominant (EDMD4). Also called: EMERY-DREIFUSS MUSCULAR DYSTROPHY 4 WITH VARIABLE FEATURES. Identifiers: Orphanet 261, MedGen C2751807, MONDO:0013071, OMIM 612998.
Autosomal recessive ataxia, Beauce type. Also called: SYNE1-Related Autosomal Recessive Cerebellar Ataxia; Spinocerebellar ataxia, autosomal recessive 8; ATAXIA, RECESSIVE, OF BEAUCE; SYNE1 Deficiency. Identifiers: Orphanet 88644, MedGen C1853116, MONDO:0012549, OMIM 610743.

Allele frequency attached by ClinVar (database versions not stated): gnomAD exomes below 0.00001 and 0.00001; TOPMed below 0.00001.
gnomAD v4.1: 2 of 1,613,988 alleles (0.00012%); highest among the groups gnomAD compares: Admixed American, 0.0033%; no homozygotes.

Submission:

Labcorp Genetics (formerly Invitae), Labcorp
Classification: Uncertain significance for Emery-Dreifuss muscular dystrophy 4, autosomal dominant; Autosomal recessive ataxia, Beauce type. Last evaluated: 2017-05-05. Review status: criteria provided, single submitter. Criteria: Invitae Variant Classification Sherloc (09022015). Collection method: clinical testing. Allele origin: germline.
Comment: This variant is not present in population databases (ExAC no frequency) and has not been reported in the literature in individuals with a SYNE1-related disease. Algorithms developed to predict the effect of missense changes on protein structure and function do not agree on the potential impact of this missense change (SIFT: "Deleterious"; PolyPhen-2: "Benign"; Align-GVGD: "Class C0"). In summary, this variant is a novel missense change with uncertain impact on protein function. It has been classified as a Variant of Uncertain Significance. This sequence change replaces leucine with phenylalanine at codon 6391 of the SYNE1 protein (p.Leu6391Phe). The leucine residue is highly conserved and there is a small physicochemical difference between leucine and phenylalanine.